The following is an entry in ClinVar:

ClinVar aggregate classification (germline): Likely benign. Review status: criteria provided, single submitter (1 of 4 stars). 2 submissions from 2 submitters: Likely benign (1). 1 of the submissions does not count toward it. Last evaluated 2024-04-11.

Conditions:
KANK2-related disorder. Also called: KANK2-related condition.

Allele frequency attached by ClinVar (database versions not stated): gnomAD exomes 0.00001; gnomAD 0.00002; TOPMed 0.00002.
gnomAD v4.1: 6 of 1,539,950 alleles (0.00039%); highest among the groups gnomAD compares: Admixed American, 0.0068%; no homozygotes.

Submissions (2):

Labcorp Genetics (formerly Invitae), Labcorp
Classification: Likely benign. Last evaluated: 2024-04-11. Review status: criteria provided, single submitter. Criteria: Invitae Variant Classification Sherloc (09022015). Collection method: clinical testing. Allele origin: germline.

PreventionGenetics, part of Exact Sciences
Classification: Likely benign for KANK2-related condition. Last evaluated: 2021-12-28. Review status: no assertion criteria provided. Collection method: clinical testing. Allele origin: germline. Not counted in ClinVar's aggregate classification.
Comment: This variant is classified as likely benign based on ACMG/AMP sequence variant interpretation guidelines (Richards et al. 2015 PMID: 25741868, with internal and published modifications).

NM_001136191.3(KANK2):c.1485C>T (p.His495=)

Gene: KANK2 (KN motif and ankyrin repeat domains 2; minus strand). Cytogenetic location: 19p13.2.
Variant type: single nucleotide variant.
Coding change: c.1485C>T on transcript NM_001136191.3 (MANE Select); coding-DNA position 1485, C replaced by T.
Protein change: p.His495=; no amino-acid change (histidine 495 retained).
Molecular consequence: synonymous variant.
Genome position (GRCh38, 1-based): chr19:11,178,380, G>A on the plus strand (C>T on the coding strand, the complement: KANK2 is on the minus strand). VCF-style: chr19-11178380-G-A. GRCh37 (hg19) VCF-style: chr19-11289056-G-A.
Other names: c.1485C>T, p.His495= (NM_001329451.2, NM_001379555.1, NM_001379556.1 and 7 more transcripts); c.1509C>T, p.His503= (NM_001379548.1, NM_001379549.1, NM_001379550.1 and 5 more transcripts); c.1509C>T (NM_015493.6).
Identifiers: ClinVar variation 2899551 (VCV002899551.5), dbSNP rs1015956651, ClinGen allele CA305341588.
Genomic context (GRCh38, chr19:11,178,380, plus strand): 5'-GGGGGGTGGGGTCTTCTCCTCTCACCCGCCGTTGACCCCCACGAACTGGAGGCTCCTCCG[G>A]TGGGCCGTGGGGTCTGCAACCTCCTCTTTCCGTTTCATGATAGATCGCACGCCTGCCGGG-3'
Protein context (NP_001129663.1, residues 485-505): RKEEVADPTA[His495=]RRSLQFVGVN